The following is an entry in ClinVar:

NM_006420.3(ARFGEF2):c.3222-233C>A

Gene: ARFGEF2 (ARF guanine nucleotide exchange factor 2; plus strand). Cytogenetic location: 20q13.13.
Variant type: single nucleotide variant.
Coding change: c.3222-233C>A on transcript NM_006420.3 (MANE Select); 233 bases into the intron before coding-DNA position 3222, C replaced by A.
Molecular consequence: intron variant.
Genome position (GRCh38, 1-based): chr20:48,997,960, C>A. VCF-style: chr20-48997960-C-A. GRCh37 (hg19) VCF-style: chr20-47614497-C-A.
Identifiers: ClinVar variation 679357 (VCV000679357.1), dbSNP rs3764682, ClinGen allele CA14759513.

ClinVar aggregate classification (germline): Benign (1 of 4 stars; one submission).

Allele frequency attached by ClinVar (database versions not stated): gnomAD 0.23493 and 0.24351; TOPMed 0.24631; 1000 Genomes Project 30x 0.28529; 1000 Genomes Project 0.28954.
gnomAD v4.1: 142,958 of 510,458 alleles (28%); highest among the groups gnomAD compares: East Asian, 46%; 21,779 homozygotes.

Submission:

GeneDx
Classification: Benign. Last evaluated: 2018-06-19. Review status: criteria provided, single submitter. Criteria: GeneDx Variant Classification (06012015). Collection method: clinical testing. Allele origin: germline. Affected: yes.
Comment: This variant is considered likely benign or benign based on one or more of the following criteria: it is a conservative change, it occurs at a poorly conserved position in the protein, it is predicted to be benign by multiple in silico algorithms, and/or has population frequency not consistent with disease.